The following is an entry in ClinVar:

ClinVar aggregate classification (germline): Uncertain significance (1 of 4 stars; one submission).

Conditions:
Peroxisome biogenesis disorder 2B (PBD2B). Identifiers: Orphanet 44, MedGen C3550234, MONDO:0008736, OMIM 202370.

Allele frequency attached by ClinVar (database versions not stated): gnomAD exomes below 0.00001; ExAC 0.00001.
gnomAD v4.1: 2 of 1,614,250 alleles (0.00012%); highest among the groups gnomAD compares: Admixed American, 0.0017%; no homozygotes.

Submission:

Labcorp Genetics (formerly Invitae), Labcorp
Classification: Uncertain significance for Peroxisome biogenesis disorder 2B. Last evaluated: 2026-01-17. Review status: criteria provided, single submitter. Criteria: Invitae Variant Classification Sherloc (09022015). Collection method: clinical testing. Allele origin: germline.
Comment: This sequence change replaces methionine, which is neutral and non-polar, with isoleucine, which is neutral and non-polar, at codon 613 of the PEX5 protein (p.Met613Ile). This variant is present in population databases (rs750620715, gnomAD 0.003%). This variant has not been reported in the literature in individuals affected with PEX5-related conditions. ClinVar contains an entry for this variant (Variation ID: 1470248). Invitae Evidence Modeling of protein sequence and biophysical properties (such as structural, functional, and spatial information, amino acid conservation, physicochemical variation, residue mobility, and thermodynamic stability) indicates that this missense variant is not expected to disrupt PEX5 protein function with a negative predictive value of 80%. In summary, the available evidence is currently insufficient to determine the role of this variant in disease. Therefore, it has been classified as a Variant of Uncertain Significance.

NM_001351132.2(PEX5):c.1839G>A (p.Met613Ile)

Gene: PEX5 (peroxisomal biogenesis factor 5; plus strand). Cytogenetic location: 12p13.31.
Variant type: single nucleotide variant.
Coding change: c.1839G>A on transcript NM_001351132.2 (MANE Select); coding-DNA position 1839, G replaced by A.
Protein change: p.Met613Ile; replaces methionine 613 with isoleucine.
Molecular consequence: missense variant.
Genome position (GRCh38, 1-based): chr12:7,210,142, G>A. VCF-style: chr12-7210142-G-A. GRCh37 (hg19) VCF-style: chr12-7362738-G-A.
Other names: c.1815G>A, p.Met605Ile (NM_000319.5); c.1884G>A, p.Met628Ile (NM_001131023.2); c.1728G>A, p.Met576Ile (NM_001131024.2, NM_001351124.3, NM_001351126.2 and 7 more transcripts); c.1839G>A, p.Met613Ile (NM_001131025.2, NM_001131026.2, NM_001300789.3 and 4 more transcripts); c.1704G>A, p.Met568Ile (NM_001374649.2, NM_001351139.2, NM_001351140.2); c.1773G>A, p.Met591Ile (NM_001351135.3, NM_001351138.2); c.1830G>A, p.Met610Ile (NM_001351136.2); short protein forms M568I, M610I, M613I, M628I, M576I, M591I, M605I.
Identifiers: ClinVar variation 1470248 (VCV001470248.4), dbSNP rs750620715, ClinGen allele CA6426600.